The following is an entry in ClinVar:

ClinVar aggregate classification (germline): Conflicting classifications of pathogenicity. Review status: criteria provided, conflicting classifications (1 of 4 stars). 2 submissions from 2 submitters: Uncertain significance (1); Likely benign (1). Last evaluated 2024-04-15.

Submissions (2):

Ambry Genetics
Classification: Uncertain significance. Last evaluated: 2024-04-15. Review status: criteria provided, single submitter. Criteria: Ambry Variant Classification Scheme 2023. Collection method: clinical testing. Allele origin: germline.

CeGaT Center for Human Genetics Tuebingen
Classification: Likely benign. Last evaluated: 2022-11-01. Review status: criteria provided, single submitter. Criteria: CeGaT Center For Human Genetics Tuebingen Variant Classification Criteria Version 2. Collection method: clinical testing. Allele origin: germline. Affected: yes. Observed: 1 variant allele.
Comment: VCX3B: BP4, BS2

NM_001001888.4(VCX3B):c.418G>A (p.Val140Met)

Gene: VCX3B (variable charge X-linked 3B; plus strand). Cytogenetic location: Xp22.31.
Variant type: single nucleotide variant.
Coding change: c.418G>A on transcript NM_001001888.4 (MANE Select); coding-DNA position 418, G replaced by A.
Protein change: p.Val140Met; replaces valine 140 with methionine.
Molecular consequence: missense variant.
Genome position (GRCh38, 1-based): chrX:8,466,060, G>A. VCF-style: chrX-8466060-G-A. GRCh37 (hg19) VCF-style: chrX-8434101-G-A.
Other names: c.418G>A (NM_001001888.3); short protein forms V140M.
Identifiers: ClinVar variation 2659933 (VCV002659933.26), dbSNP rs201156439, ClinGen allele CA326033570.
Genomic context (GRCh38, chrX:8,466,060, plus strand): 5'-GTGGAAGAACCACTGAGTCAGGAGAGCCAGGTGGAGGAACCACTGAGTCAGGAGAGCGAG[G>A]TGGAAGAACCACTGAGTCAGGAGAGCCAGGTGGAGGAACCACTGAGTCAGGAGAGCGAGG-3'
Protein context (NP_001001888.3, residues 130-150): VEEPLSQESE[Val140Met]EEPLSQESQV